The following is an entry in ClinVar:

NM_002880.4(RAF1):c.*266C>T

Gene: RAF1 (Raf-1 proto-oncogene, serine/threonine kinase; minus strand). Cytogenetic location: 3p25.2.
Variant type: single nucleotide variant.
Coding change: c.*266C>T on transcript NM_002880.4 (MANE Select); 266 bases downstream of the stop codon, C replaced by T.
Molecular consequence: 3 prime UTR variant. On other transcripts: non-coding transcript variant (3).
Genome position (GRCh38, 1-based): chr3:12,584,248, G>A on the plus strand (C>T on the coding strand, the complement: RAF1 is on the minus strand). VCF-style: chr3-12584248-G-A. GRCh37 (hg19) VCF-style: chr3-12625747-G-A.
Other names: c.*266C>T (NM_001354689.3, NM_001354690.3, NM_001354691.3 and 4 more transcripts).
Identifiers: ClinVar variation 40631 (VCV000040631.8), dbSNP rs1051208, ClinGen allele CA10602365.
Genomic context (GRCh38, chr3:12,584,248, plus strand): 5'-ATGTAGCCAACAGCTGGGGCTGGGCCCCTGCTTTTTGTACTACCATCAACATCCACTTGC[G>A]CATCTACAGAAGGCTGGGCCTTGAGCATGGGGAATGTGGGGAGGGAGCAGGACACACCAG-3'

ClinVar aggregate classification (germline): Benign. Review status: criteria provided, multiple submitters, no conflicts (2 of 4 stars). 4 submissions from 3 submitters: Benign (4). Last evaluated 2018-01-13.

Conditions:
LEOPARD syndrome 2 (LPRD2). Also called: RAF1-Related LEOPARD Syndrome. Identifiers: Orphanet 500, MedGen C1969056, MONDO:0012691, OMIM 611554.
Noonan syndrome 5 (NS5). Also called: RAF1-Related Noonan Syndrome. Identifiers: Orphanet 648, MedGen C1969057, MONDO:0012690, OMIM 611553. Disease mechanism: gain of function.

Allele frequency attached by ClinVar (database versions not stated): TOPMed 0.20417; 1000 Genomes Project 0.17392; 1000 Genomes Project 30x 0.17989.

Submissions (4):

Illumina Laboratory Services, Illumina
Classification: Benign for Noonan syndrome 5. Last evaluated: 2018-01-13. Review status: criteria provided, single submitter. Criteria: ICSL Variant Classification Criteria 13 December 2019. Collection method: clinical testing. Allele origin: germline.
Comment: This variant was observed in the ICSL laboratory as part of a predisposition screen in an ostensibly healthy population. It had not been previously curated by ICSL or reported in the Human Gene Mutation Database (HGMD: prior to June 1st, 2018), and was therefore a candidate for classification through an automated scoring system. Utilizing variant allele frequency, disease prevalence and penetrance estimates, and inheritance mode, an automated score was calculated to assess if this variant is too frequent to cause the disease. Based on the score and internal cut-off values, a variant classified as benign is not then subjected to further curation. The score for this variant resulted in a classification of benign for this disease.

Illumina Laboratory Services, Illumina
Classification: Benign for LEOPARD syndrome 2. Last evaluated: 2018-01-13. Review status: criteria provided, single submitter. Criteria: ICSL Variant Classification Criteria 13 December 2019. Collection method: clinical testing. Allele origin: germline.
Comment: the same text as in the submission from Illumina Laboratory Services, Illumina above.

GeneDx
Classification: Benign. Last evaluated: 2015-03-03. Review status: criteria provided, single submitter. Criteria: GeneDx Variant Classification Process June 2021. Collection method: clinical testing. Allele origin: germline. Affected: yes.

Breakthrough Genomics
Classification: Benign. Review status: criteria provided, single submitter. Criteria: ACMG Guidelines, 2015. Collection method: not provided. Allele origin: germline. Inheritance: Autosomal dominant inheritance. Affected: yes.